The following is an entry in ClinVar:

ClinVar aggregate classification (germline): Likely benign. Review status: criteria provided, single submitter (1 of 4 stars). 2 submissions from 2 submitters: Likely benign (1). 1 of the submissions does not count toward it. Last evaluated 2025-09-18.

Conditions:
FLVCR2-related disorder. Also called: FLVCR2-related condition.

Allele frequency attached by ClinVar (database versions not stated): ExAC 0.00001; TOPMed 0.00002.
gnomAD v4.1: 3 of 1,607,084 alleles (0.00019%); highest among the groups gnomAD compares: Admixed American, 0.0017%; no homozygotes.

Submissions (2):

Labcorp Genetics (formerly Invitae), Labcorp
Classification: Likely benign. Last evaluated: 2025-09-18. Review status: criteria provided, single submitter. Criteria: Invitae Variant Classification Sherloc (09022015). Collection method: clinical testing. Allele origin: germline.

PreventionGenetics, part of Exact Sciences
Classification: Likely benign for FLVCR2-related condition. Last evaluated: 2019-09-13. Review status: no assertion criteria provided. Collection method: clinical testing. Allele origin: germline. Not counted in ClinVar's aggregate classification.
Comment: This variant is classified as likely benign based on ACMG/AMP sequence variant interpretation guidelines (Richards et al. 2015 PMID: 25741868, with internal and published modifications).

NM_017791.3(FLVCR2):c.1341+7C>T

Gene: FLVCR2 (FLVCR choline and putative heme transporter 2; plus strand). Cytogenetic location: 14q24.3.
Variant type: single nucleotide variant.
Coding change: c.1341+7C>T on transcript NM_017791.3 (MANE Select); 7 bases into the intron after coding-DNA position 1341, C replaced by T.
Molecular consequence: intron variant.
Genome position (GRCh38, 1-based): chr14:75,641,067, C>T. VCF-style: chr14-75641067-C-T. GRCh37 (hg19) VCF-style: chr14-76107410-C-T.
Other names: c.726+7C>T (NM_001195283.2).
Identifiers: ClinVar variation 3040719 (VCV003040719.3), dbSNP rs749856711, ClinGen allele CA7278525.